The following is an entry in ClinVar:

ClinVar aggregate classification (germline): Uncertain significance. Review status: criteria provided, multiple submitters, no conflicts (2 of 4 stars). 2 submissions from 2 submitters: Uncertain significance (2). Last evaluated 2025-04-28.

Allele frequency attached by ClinVar (database versions not stated): gnomAD 0.00001; gnomAD exomes 0.00001.
gnomAD v4.1: 14 of 1,613,918 alleles (0.00087%); highest among the groups gnomAD compares: Non-Finnish European, 0.0011%; no homozygotes.

Submissions (2):

Labcorp Genetics (formerly Invitae), Labcorp
Classification: Uncertain significance. Last evaluated: 2025-04-28. Review status: criteria provided, single submitter. Criteria: Invitae Variant Classification Sherloc (09022015). Collection method: clinical testing. Allele origin: germline.
Comment: This sequence change replaces valine, which is neutral and non-polar, with methionine, which is neutral and non-polar, at codon 961 of the IMPG2 protein (p.Val961Met). This variant is present in population databases (no rsID available, gnomAD 0.0009%). This variant has not been reported in the literature in individuals affected with IMPG2-related conditions. ClinVar contains an entry for this variant (Variation ID: 1928868). Invitae Evidence Modeling of protein sequence and biophysical properties (such as structural, functional, and spatial information, amino acid conservation, physicochemical variation, residue mobility, and thermodynamic stability) indicates that this missense variant is expected to disrupt IMPG2 protein function with a positive predictive value of 80%. In summary, the available evidence is currently insufficient to determine the role of this variant in disease. Therefore, it has been classified as a Variant of Uncertain Significance.

Blueprint Genetics
Classification: Uncertain significance. Last evaluated: 2019-04-26. Review status: criteria provided, single submitter. Criteria: ACMG Guidelines, 2015. Collection method: clinical testing. Allele origin: germline.

NM_016247.4(IMPG2):c.2881G>A (p.Val961Met)

Gene: IMPG2 (interphotoreceptor matrix proteoglycan 2; minus strand). Cytogenetic location: 3q12.3.
Variant type: single nucleotide variant.
Coding change: c.2881G>A on transcript NM_016247.4 (MANE Select); coding-DNA position 2881, G replaced by A.
Protein change: p.Val961Met; replaces valine 961 with methionine.
Molecular consequence: missense variant.
Genome position (GRCh38, 1-based): chr3:101,242,829, C>T on the plus strand (G>A on the coding strand, the complement: IMPG2 is on the minus strand). VCF-style: chr3-101242829-C-T. GRCh37 (hg19) VCF-style: chr3-100961673-C-T.
Other names: short protein forms V961M.
Identifiers: ClinVar variation 1928868 (VCV001928868.5), dbSNP rs1458445353, ClinGen allele CA353853741.